The following is an entry in ClinVar:

NM_025144.4(ALPK1):c.1124T>C (p.Val375Ala)

Gene: ALPK1 (alpha kinase 1; plus strand). Cytogenetic location: 4q25.
Variant type: single nucleotide variant.
Coding change: c.1124T>C on transcript NM_025144.4 (MANE Select); coding-DNA position 1124, T replaced by C.
Protein change: p.Val375Ala; replaces valine 375 with alanine.
Molecular consequence: missense variant.
Genome position (GRCh38, 1-based): chr4:112,430,671, T>C. VCF-style: chr4-112430671-T-C. GRCh37 (hg19) VCF-style: chr4-113351827-T-C.
Other names: c.1124T>C, p.Val375Ala (NM_001102406.2); c.890T>C, p.Val297Ala (NM_001253884.2); short protein forms V297A, V375A.
Identifiers: ClinVar variation 2752960 (VCV002752960.3), dbSNP rs765367142, ClinGen allele CA3046671.
Genomic context (GRCh38, chr4:112,430,671, plus strand): 5'-TCAAAGCTGCTTTCGGTCTCACCACAGTGCACAGAAGGCTCCATGGGGAGACAGGGACGG[T>C]CCATGCAGCAAGTCAGCTCTGTAAGGAAGCAATGGGGAAGCTGTACAATTTCAGCACTTC-3'
Protein context (NP_079420.3, residues 365-385): HRRLHGETGT[Val375Ala]HAASQLCKEA

ClinVar aggregate classification (germline): Uncertain significance (1 of 4 stars; one submission).

Allele frequency attached by ClinVar (database versions not stated): gnomAD exomes below 0.00001; TOPMed below 0.00001; ExAC 0.00001; gnomAD 0.00001.
gnomAD v4.1: 4 of 1,614,008 alleles (0.00025%); highest among the groups gnomAD compares: African/African-American, 0.0027%; no homozygotes.

Submission:

Labcorp Genetics (formerly Invitae), Labcorp
Classification: Uncertain significance. Last evaluated: 2023-11-10. Review status: criteria provided, single submitter. Criteria: Invitae Variant Classification Sherloc (09022015). Collection method: clinical testing. Allele origin: germline.
Comment: This sequence change replaces valine, which is neutral and non-polar, with alanine, which is neutral and non-polar, at codon 375 of the ALPK1 protein (p.Val375Ala). This variant is present in population databases (rs765367142, gnomAD 0.0009%). This variant has not been reported in the literature in individuals affected with ALPK1-related conditions. Algorithms developed to predict the effect of missense changes on protein structure and function output the following: SIFT: "Not Available"; PolyPhen-2: "Benign"; Align-GVGD: "Not Available". The alanine amino acid residue is found in multiple mammalian species, which suggests that this missense change does not adversely affect protein function. In summary, the available evidence is currently insufficient to determine the role of this variant in disease. Therefore, it has been classified as a Variant of Uncertain Significance.